The following is an entry in ClinVar:

NM_203408.4(FAM47A):c.9C>A (p.Asp3Glu)

Gene: FAM47A (family with sequence similarity 47 member A; minus strand). Cytogenetic location: Xp21.1.
Variant type: single nucleotide variant.
Coding change: c.9C>A on transcript NM_203408.4 (MANE Select); coding-DNA position 9, C replaced by A.
Protein change: p.Asp3Glu; replaces aspartic acid 3 with glutamic acid.
Molecular consequence: missense variant.
Genome position (GRCh38, 1-based): chrX:34,132,270, G>T on the plus strand (C>A on the coding strand, the complement: FAM47A is on the minus strand). VCF-style: chrX-34132270-G-T. GRCh37 (hg19) VCF-style: chrX-34150387-G-T.
Other names: short protein forms D3E.
Identifiers: ClinVar variation 5039316 (VCV005039316.1).

ClinVar aggregate classification (germline): Likely benign (1 of 4 stars; one submission).

gnomAD v4.1: 6 of 1,163,123 alleles (0.00052%); highest among the groups gnomAD compares: African/African-American, 0.0018%; no homozygotes.

Submission:

CeGaT Center for Human Genetics Tuebingen
Classification: Likely benign. Last evaluated: 2026-08-01. Review status: criteria provided, single submitter. Criteria: CeGaT Center For Human Genetics Tuebingen Variant Classification Criteria Version 2. Collection method: clinical testing. Allele origin: germline. Affected: yes. Observed: 1 variant allele.
Comment: FAM47A: BP4, BS2